The following is an entry in ClinVar:

NM_001271938.2(MEGF8):c.8433C>T (p.His2811=)

Gene: MEGF8 (multiple EGF like domains 8; plus strand). Cytogenetic location: 19q13.2.
Variant type: single nucleotide variant.
Coding change: c.8433C>T on transcript NM_001271938.2 (MANE Select); coding-DNA position 8433, C replaced by T.
Protein change: p.His2811=; no amino-acid change (histidine 2811 retained).
Molecular consequence: synonymous variant.
Genome position (GRCh38, 1-based): chr19:42,376,670, C>T. VCF-style: chr19-42376670-C-T. GRCh37 (hg19) VCF-style: chr19-42880822-C-T.
Other names: c.8232C>T, p.His2744= (NM_001410.3).
Identifiers: ClinVar variation 697707 (VCV000697707.33), dbSNP rs371191311, ClinGen allele CA9476376.

ClinVar aggregate classification (germline): Likely benign. Review status: criteria provided, multiple submitters, no conflicts (2 of 4 stars). 3 submissions from 3 submitters: Likely benign (3). Last evaluated 2025-11-08.

Conditions:
MEGF8-related Carpenter syndrome. Also called: Carpenter syndrome 2. Identifiers: Orphanet 65759, MedGen C3554247, MONDO:0013998, OMIM 614976.

Allele frequency attached by ClinVar (database versions not stated): 1000 Genomes Project 30x 0.00016; 1000 Genomes Project 0.00040; gnomAD exomes 0.00044 and 0.00118; ESP Exome Variant Server 0.00048; TOPMed 0.00056; gnomAD 0.00067 and 0.00068; ExAC 0.00086.
gnomAD v4.1: 1,708 of 1,529,848 alleles (0.11%); highest among the groups gnomAD compares: Non-Finnish European, 0.14%; no homozygotes.

Submissions (3):

Labcorp Genetics (formerly Invitae), Labcorp
Classification: Likely benign for MEGF8-related Carpenter syndrome. Last evaluated: 2025-11-08. Review status: criteria provided, single submitter. Criteria: Invitae Variant Classification Sherloc (09022015). Collection method: clinical testing. Allele origin: germline.

CeGaT Center for Human Genetics Tuebingen
Classification: Likely benign. Last evaluated: 2025-10-01. Review status: criteria provided, single submitter. Criteria: CeGaT Center For Human Genetics Tuebingen Variant Classification Criteria Version 2. Collection method: clinical testing. Allele origin: germline. Affected: yes. Observed: 2 variant alleles.
Comment: MEGF8: BP4, BP7

Blueprint Genetics
Classification: Likely benign. Last evaluated: 2024-11-26. Review status: criteria provided, single submitter. Criteria: ACMG Guidelines, 2015. Collection method: clinical testing. Allele origin: germline.